The following is an entry in ClinVar:

ClinVar aggregate classification (germline): Likely benign. Review status: criteria provided, multiple submitters, no conflicts (2 of 4 stars). 2 submissions from 2 submitters: Likely benign (2). Last evaluated 2026-04-01.

Submissions (2):

CeGaT Center for Human Genetics Tuebingen
Classification: Likely benign. Last evaluated: 2026-04-01. Review status: criteria provided, single submitter. Criteria: CeGaT Center For Human Genetics Tuebingen Variant Classification Criteria Version 2. Collection method: clinical testing. Allele origin: germline. Affected: yes. Observed: 1 variant allele.
Comment: VAMP2: BP4, BP7

Blueprint Genetics
Classification: Likely benign. Last evaluated: 2023-06-29. Review status: criteria provided, single submitter. Criteria: ACMG Guidelines, 2015. Collection method: clinical testing. Allele origin: germline.

NM_014232.3(VAMP2):c.160C>T (p.Leu54=)

Gene: VAMP2 (vesicle associated membrane protein 2; minus strand). Cytogenetic location: 17p13.1.
Variant type: single nucleotide variant.
Coding change: c.160C>T on transcript NM_014232.3 (MANE Select); coding-DNA position 160, C replaced by T.
Protein change: p.Leu54=; no amino-acid change (leucine 54 retained).
Molecular consequence: synonymous variant.
Genome position (GRCh38, 1-based): chr17:8,161,730, G>A on the plus strand (C>T on the coding strand, the complement: VAMP2 is on the minus strand). VCF-style: chr17-8161730-G-A. GRCh37 (hg19) VCF-style: chr17-8065048-G-A.
Other names: c.166C>T, p.Leu56= (NM_001330125.1).
Identifiers: ClinVar variation 4872485 (VCV004872485.3).